The following is an entry in ClinVar:

ClinVar aggregate classification (germline): Likely benign. Review status: criteria provided, multiple submitters, no conflicts (2 of 4 stars). 4 submissions from 4 submitters: Likely benign (3). 1 of the submissions does not count toward it. Last evaluated 2025-05-01.

Conditions:
Inborn genetic diseases. Identifiers: MedGen C0950123, MeSH D030342.
ASXL1-related disorder. Also called: ASXL1-related disorders; ASXL1-related condition.

Allele frequency attached by ClinVar (database versions not stated): ExAC 0.00001; gnomAD 0.00002; gnomAD exomes 0.00002; TOPMed 0.00004; ESP Exome Variant Server 0.00008.
gnomAD v4.1: 41 of 1,613,736 alleles (0.0025%); highest among the groups gnomAD compares: Non-Finnish European, 0.0029%; no homozygotes.

Submissions (4):

CeGaT Center for Human Genetics Tuebingen
Classification: Likely benign. Last evaluated: 2025-05-01. Review status: criteria provided, single submitter. Criteria: CeGaT Center For Human Genetics Tuebingen Variant Classification Criteria Version 2. Collection method: clinical testing. Allele origin: germline. Affected: yes. Observed: 1 variant allele.
Comment: ASXL1: BP4, BS2

Ambry Genetics
Classification: Likely benign for Inborn genetic diseases. Last evaluated: 2024-12-01. Review status: criteria provided, single submitter. Criteria: Ambry Variant Classification Scheme 2023. Collection method: clinical testing. Allele origin: germline.

Labcorp Genetics (formerly Invitae), Labcorp
Classification: Likely benign. Last evaluated: 2024-10-23. Review status: criteria provided, single submitter. Criteria: Invitae Variant Classification Sherloc (09022015). Collection method: clinical testing. Allele origin: germline.

PreventionGenetics, part of Exact Sciences
Classification: Likely benign for ASXL1-related condition. Last evaluated: 2019-09-05. Review status: no assertion criteria provided. Collection method: clinical testing. Allele origin: germline. Not counted in ClinVar's aggregate classification.
Comment: This variant is classified as likely benign based on ACMG/AMP sequence variant interpretation guidelines (Richards et al. 2015 PMID: 25741868, with internal and published modifications).

NM_015338.6(ASXL1):c.2064G>A (p.Thr688=)

Gene: ASXL1 (ASXL transcriptional regulator 1; plus strand). Cytogenetic location: 20q11.21.
Variant type: single nucleotide variant.
Coding change: c.2064G>A on transcript NM_015338.6 (MANE Select); coding-DNA position 2064, G replaced by A.
Protein change: p.Thr688=; no amino-acid change (threonine 688 retained).
Molecular consequence: synonymous variant.
Genome position (GRCh38, 1-based): chr20:32,434,776, G>A. VCF-style: chr20-32434776-G-A. GRCh37 (hg19) VCF-style: chr20-31022579-G-A.
Other names: c.1881G>A, p.Thr627= (NM_001363734.1).
Identifiers: ClinVar variation 2982107 (VCV002982107.16), dbSNP rs202104108, ClinGen allele CA9808533.